The following is an entry in ClinVar:

NM_001378452.1(ITPR1):c.3796C>T (p.His1266Tyr)

Gene: ITPR1 (inositol 1,4,5-trisphosphate receptor type 1; plus strand). Cytogenetic location: 3p26.1.
Variant type: single nucleotide variant.
Coding change: c.3796C>T on transcript NM_001378452.1 (MANE Select); coding-DNA position 3796, C replaced by T.
Protein change: p.His1266Tyr; replaces histidine 1266 with tyrosine.
Molecular consequence: missense variant.
Genome position (GRCh38, 1-based): chr3:4,688,588, C>T. VCF-style: chr3-4688588-C-T. GRCh37 (hg19) VCF-style: chr3-4730272-C-T.
Other names: c.3769C>T, p.His1257Tyr (NM_001099952.4); c.3751C>T, p.His1251Tyr (NM_001168272.2); c.3724C>T, p.His1242Tyr (NM_002222.7); short protein forms H1242Y, H1251Y, H1257Y, H1266Y.
Identifiers: ClinVar variation 1713683 (VCV001713683.5), dbSNP rs2094433710, ClinGen allele CA351630290.
Genomic context (GRCh38, chr3:4,688,588, plus strand): 5'-TTGGCTCATGAATTTTTGCAGAATTTCTGCGCAGGCAACCAGCAGAATCAAGCTTTGCTA[C>T]ATAAACACATAAACCTGTTTCTCAACCCAGGGGTAAGACTTGAGGCCAATCTGCAAATCT-3'
Protein context (NP_001365381.1, residues 1256-1276): AGNQQNQALL[His1266Tyr]KHINLFLNPG

ClinVar aggregate classification (germline): Uncertain significance (1 of 4 stars; one submission).

Allele frequency attached by ClinVar (database versions not stated): TOPMed below 0.00001.

Submission:

Labcorp Genetics (formerly Invitae), Labcorp
Classification: Uncertain significance. Last evaluated: 2022-07-24. Review status: criteria provided, single submitter. Criteria: Invitae Variant Classification Sherloc (09022015). Collection method: clinical testing. Allele origin: germline.
Comment: This variant has not been reported in the literature in individuals affected with ITPR1-related conditions. This variant is not present in population databases (gnomAD no frequency). This sequence change replaces histidine, which is basic and polar, with tyrosine, which is neutral and polar, at codon 1242 of the ITPR1 protein (p.His1242Tyr). In summary, the available evidence is currently insufficient to determine the role of this variant in disease. Therefore, it has been classified as a Variant of Uncertain Significance. Algorithms developed to predict the effect of missense changes on protein structure and function are either unavailable or do not agree on the potential impact of this missense change (SIFT: "Deleterious"; PolyPhen-2: "Possibly Damaging"; Align-GVGD: "Class C0").